The following is an entry in ClinVar:

ClinVar aggregate classification (germline): Pathogenic (1 of 4 stars; one submission).

Conditions:
Combined immunodeficiency due to LRBA deficiency. Also called: Common variable immunodeficiency 8, with autoimmunity. Identifiers: Orphanet 445018, MedGen C3553512, MONDO:0013863, OMIM 614700.

Submission:

Labcorp Genetics (formerly Invitae), Labcorp
Classification: Pathogenic for Combined immunodeficiency due to LRBA deficiency. Last evaluated: 2019-05-29. Review status: criteria provided, single submitter. Criteria: Invitae Variant Classification Sherloc (09022015). Collection method: clinical testing. Allele origin: germline.
Comment: For these reasons, this variant has been classified as Pathogenic. Loss-of-function variants in LRBA are known to be pathogenic (PMID: 26206937, 26768763). This variant has not been reported in the literature in individuals with LRBA-related conditions. The frequency data for this variant in the population databases is considered unreliable, as metrics indicate poor data quality at this position in the ExAC database. This sequence change creates a premature translational stop signal (p.Val2091Leufs*2) in the LRBA gene. It is expected to result in an absent or disrupted protein product.

Literature cited by the submitters: PubMed 26206937; PubMed 26768763.

NM_001364905.1(LRBA):c.6234_6238delinsTTTT (p.Ser2079fs)

Gene: LRBA (LPS responsive beige-like anchor protein; minus strand). Cytogenetic location: 4q31.3.
Variant type: Indel.
Coding change: c.6234_6238delinsTTTT on transcript NM_001364905.1 (MANE Select); coding-DNA positions 6234 to 6238, CTCTG replaced by TTTT.
Protein change: p.Ser2079fs; shifts the reading frame from serine 2079.
Molecular consequence: frameshift variant.
Genome position (GRCh38, 1-based): chr4:150,588,140-150,588,144, CAGAG replaced by AAAA on the plus strand (CTCTG replaced by TTTT on the coding strand, the reverse complement: LRBA is on the minus strand). VCF-style: chr4-150588140-CAGAG-AAAA. GRCh37 (hg19) VCF-style: chr4-151509292-CAGAG-AAAA.
Other names: c.6234_6238delCTCTGinsTTTT, p.Ser2079Phefs (NM_001199282.3); c.6234_6238delinsTTTT, p.Ser2079fs (NM_001367550.1); c.6267_6271delCTCTGinsTTTT, p.Ser2090Phefs (NM_006726.5); short protein forms S2090fs, S2079fs.
Identifiers: ClinVar variation 965146 (VCV000965146.5), dbSNP rs1772348297, ClinGen allele CA1139658668.